The following is an entry in ClinVar:

NM_000138.5(FBN1):c.7217G>A (p.Cys2406Tyr)

Gene: FBN1 (fibrillin 1; minus strand). Cytogenetic location: 15q21.1.
Variant type: single nucleotide variant.
Coding change: c.7217G>A on transcript NM_000138.5 (MANE Select); coding-DNA position 7217, G replaced by A.
Protein change: p.Cys2406Tyr; replaces cysteine 2406 with tyrosine.
Molecular consequence: missense variant.
Genome position (GRCh38, 1-based): chr15:48,425,852, C>T on the plus strand (G>A on the coding strand, the complement: FBN1 is on the minus strand). VCF-style: chr15-48425852-C-T. GRCh37 (hg19) VCF-style: chr15-48718049-C-T.
Other names: short protein forms C2406Y.
Identifiers: ClinVar variation 429595 (VCV000429595.27), dbSNP rs1131691479, ClinGen allele CA392328826.
Genomic context (GRCh38, chr15:48,425,852, plus strand): 5'-TGATATGATCCTCTGTCATTGACACATTCCCCATTTCGGCAAACATCGTGAATAACCTTG[C>T]ATTCATCGATATCTGTAATTTAACAAATATAAATTAAGAAATATATCATAAAATTGACAA-3'
Protein context (NP_000129.3, residues 2396-2416): FMTNGADIDE[Cys2406Tyr]KVIHDVCRNG

ClinVar aggregate classification (germline): Pathogenic/Likely pathogenic. Review status: criteria provided, multiple submitters, no conflicts (2 of 4 stars). 4 submissions from 4 submitters: Pathogenic (2); Likely pathogenic (1). 1 of the submissions does not count toward it. Last evaluated 2024-10-28.

Conditions:
Marfan syndrome (MFS). Also called: MARFAN SYNDROME, TYPE I; FBN1-Related Marfan Syndrome; Marfan syndrome type 1; Marfan's syndrome; Marfan syndrome, classic. Identifiers: Orphanet 284963, Orphanet 558, MedGen C0024796, MONDO:0007947, OMIM 154700.
Familial thoracic aortic aneurysm and aortic dissection (TAAD). Also called: Thoracic aortic aneurysms and dissections. Identifiers: Orphanet 91387, MedGen C4707243, MONDO:0019625.

Submissions (4):

GeneDx
Classification: Likely pathogenic. Last evaluated: 2024-10-28. Review status: criteria provided, single submitter. Criteria: GeneDx Variant Classification Process June 2021. Collection method: clinical testing. Allele origin: germline. Affected: yes.
Comment: Not observed at significant frequency in large population cohorts (gnomAD); In silico analysis supports that this missense variant has a deleterious effect on protein structure/function; Affects a cysteine residue within an EGF-like domain of the FBN1 gene, which may affect disulfide bonding and is predicted to alter the structure and function of the protein; cysteine substitutions in the EGF-like domains represent the majority of pathogenic missense changes associated with FBN1-related disorders (PMID: 12938084); This variant is associated with the following publications: (PMID: 21542060, 35058154, 11700157, 12938084)

Labcorp Genetics (formerly Invitae), Labcorp
Classification: Pathogenic for Marfan syndrome; Familial thoracic aortic aneurysm and aortic dissection. Last evaluated: 2024-10-07. Review status: criteria provided, single submitter. Criteria: Invitae Variant Classification Sherloc (09022015). Collection method: clinical testing. Allele origin: germline.
Comment: This sequence change replaces cysteine, which is neutral and slightly polar, with tyrosine, which is neutral and polar, at codon 2406 of the FBN1 protein (p.Cys2406Tyr). This variant is not present in population databases (gnomAD no frequency). This missense change has been observed in individuals with Marfan syndrome or its clinical features (PMID: 11700157; internal data). ClinVar contains an entry for this variant (Variation ID: 429595). Invitae Evidence Modeling of protein sequence and biophysical properties (such as structural, functional, and spatial information, amino acid conservation, physicochemical variation, residue mobility, and thermodynamic stability) indicates that this missense variant is expected to disrupt FBN1 protein function with a positive predictive value of 95%. This variant affects a cysteine residue in the EGF-like, TGFBP or hybrid motif domains of FBN1. Cysteine residues are believed to be involved in intramolecular disulfide bridges and have been shown to be important for FBN1 protein structure (PMID: 16905551, 19349279). In addition, missense substitutions affecting cysteine residues within these domains are significantly overrepresented among patients with Marfan syndrome (PMID: 16571647, 17701892). This variant disrupts the p.Cys2406 amino acid residue in FBN1. Other variant(s) that disrupt this residue have been observed in individuals with FBN1-related conditions (internal data), which suggests that this may be a clinically significant amino acid residue. For these reasons, this variant has been classified as Pathogenic.

Centre of Medical Genetics, University of Antwerp
Classification: Pathogenic for Marfan syndrome. Last evaluated: 2021-03-01. Review status: criteria provided, single submitter. Criteria: Submitter's publication. Collection method: research. Allele origin: unknown. Affected: yes.
Comment: PM2, PVS2, PP4

Center for Medical Genetics Ghent, University of Ghent
Classification: Likely pathogenic for Marfan syndrome. Last evaluated: 2017-11-07. Review status: no assertion criteria provided. Collection method: clinical testing. Allele origin: germline. Affected: yes. Not counted in ClinVar's aggregate classification.

Literature cited by the submitters: PubMed 11700157 (cited by Labcorp Genetics (formerly Invitae), Labcorp); PubMed 16905551 (cited by Labcorp Genetics (formerly Invitae), Labcorp); PubMed 19349279 (cited by Labcorp Genetics (formerly Invitae), Labcorp); PubMed 16571647 (cited by Labcorp Genetics (formerly Invitae), Labcorp); PubMed 17701892 (cited by Labcorp Genetics (formerly Invitae), Labcorp).